The following is an entry in ClinVar:

NM_001401501.2(MUC16):c.30584C>T (p.Thr10195Ile)

Gene: MUC16 (mucin 16, cell surface associated; minus strand). Cytogenetic location: 19p13.2.
Variant type: single nucleotide variant.
Coding change: c.30584C>T on transcript NM_001401501.2 (MANE Select); coding-DNA position 30584, C replaced by T.
Protein change: p.Thr10195Ile; replaces threonine 10195 with isoleucine.
Molecular consequence: missense variant.
Genome position (GRCh38, 1-based): chr19:8,946,306, G>A on the plus strand (C>T on the coding strand, the complement: MUC16 is on the minus strand). VCF-style: chr19-8946306-G-A. GRCh37 (hg19) VCF-style: chr19-9056982-G-A.
Other names: c.31010C>T, p.Thr10337Ile (NM_001414686.1); c.30464C>T, p.Thr10155Ile (NM_001414687.1, NM_024690.2); short protein forms T10155I, T10195I, T10337I.
Identifiers: ClinVar variation 3059397 (VCV003059397.2), dbSNP rs11670318, ClinGen allele CA9167097.

ClinVar aggregate classification (germline): Benign (0 of 4 stars; one submission).

Conditions:
MUC16-related disorder. Also called: MUC16-related condition.

Allele frequency attached by ClinVar (database versions not stated): 1000 Genomes Project 0.24780; 1000 Genomes Project 30x 0.25094; TOPMed 0.26614; gnomAD 0.26985; ESP Exome Variant Server 0.27721; ExAC 0.28674; gnomAD exomes 0.32099.

Submission:

PreventionGenetics, part of Exact Sciences
Classification: Benign for MUC16-related condition. Last evaluated: 2019-10-22. Review status: no assertion criteria provided. Collection method: clinical testing. Allele origin: germline.
Comment: This variant is classified as benign based on ACMG/AMP sequence variant interpretation guidelines (Richards et al. 2015 PMID: 25741868, with internal and published modifications).